The following is an entry in ClinVar:

NM_177438.3(DICER1):c.3986C>G (p.Thr1329Arg)

Gene: DICER1 (dicer 1, ribonuclease III; minus strand). Cytogenetic location: 14q32.13.
Variant type: single nucleotide variant.
Coding change: c.3986C>G on transcript NM_177438.3 (MANE Select); coding-DNA position 3986, C replaced by G.
Protein change: p.Thr1329Arg; replaces threonine 1329 with arginine.
Molecular consequence: missense variant.
Genome position (GRCh38, 1-based): chr14:95,103,410, G>C on the plus strand (C>G on the coding strand, the complement: DICER1 is on the minus strand). VCF-style: chr14-95103410-G-C. GRCh37 (hg19) VCF-style: chr14-95569747-G-C.
Other names: c.3986C>G, p.Thr1329Arg (NM_001195573.1, NM_001271282.3, NM_001291628.2 and 1 more transcripts); short protein forms T1329R.
Identifiers: ClinVar variation 242097 (VCV000242097.12), dbSNP rs878855261, ClinGen allele CA10583200.
Genomic context (GRCh38, chr14:95,103,410, plus strand): 5'-TTGCTTCTCATATATGAAAGGCGGCCCTCATGCGCATCAGGGTAAGTGCAAAATAGATAT[G>C]TGGTGATGGCATGCTTTAAAAAGGAGTCGCCAAGCATTTCAAGCCGCTCCAGGTTAAATC-3'
Protein context (NP_803187.1, residues 1319-1339): GDSFLKHAIT[Thr1329Arg]YLFCTYPDAH

ClinVar aggregate classification (germline): Uncertain significance (1 of 4 stars; one submission).

Conditions:
DICER1-related tumor predisposition. Also called: DICER1 syndrome; DICER1-related pleuropulmonary blastoma cancer predisposition syndrome. Identifiers: Orphanet 284343, MedGen C3839822, MONDO:0100216.

Submission:

Labcorp Genetics (formerly Invitae), Labcorp
Classification: Uncertain significance for DICER1-related tumor predisposition. Last evaluated: 2019-03-19. Review status: criteria provided, single submitter. Criteria: Invitae Variant Classification Sherloc (09022015). Collection method: clinical testing. Allele origin: germline.
Comment: In summary, the available evidence is currently insufficient to determine the role of this variant in disease. Therefore, it has been classified as a Variant of Uncertain Significance. Algorithms developed to predict the effect of sequence changes on RNA splicing suggest that this variant may create or strengthen a splice site, but this prediction has not been confirmed by published transcriptional studies. Algorithms developed to predict the effect of missense changes on protein structure and function are either unavailable or do not agree on the potential impact of this missense change (SIFT: "Deleterious"; PolyPhen-2: "Probably Damaging"; Align-GVGD: "Class C0"). This variant has not been reported in the literature in individuals with DICER1-related conditions. ClinVar contains an entry for this variant (Variation ID: 242097). This variant is not present in population databases (ExAC no frequency). This sequence change replaces threonine with arginine at codon 1329 of the DICER1 protein (p.Thr1329Arg). The threonine residue is highly conserved and there is a moderate physicochemical difference between threonine and arginine.